The following is an entry in ClinVar:

ClinVar aggregate classification (germline): Likely pathogenic (1 of 4 stars; one submission).

Conditions:
Fanconi anemia (FA). Also called: Fanconi's anemia. Identifiers: Orphanet 84, MedGen C0015625, MeSH D005199, MONDO:0019391.

Submission:

Labcorp Genetics (formerly Invitae), Labcorp
Classification: Likely pathogenic for Fanconi anemia. Last evaluated: 2023-03-13. Review status: criteria provided, single submitter. Criteria: Invitae Variant Classification Sherloc (09022015). Collection method: clinical testing. Allele origin: germline.
Comment: In summary, the currently available evidence indicates that the variant is pathogenic, but additional data are needed to prove that conclusively. Therefore, this variant has been classified as Likely Pathogenic. Algorithms developed to predict the effect of sequence changes on RNA splicing suggest that this variant may disrupt the consensus splice site. This variant has not been reported in the literature in individuals affected with FANCD2-related conditions. This variant is not present in population databases (gnomAD no frequency). This sequence change affects an acceptor splice site in intron 24 of the FANCD2 gene. It is expected to disrupt RNA splicing. Variants that disrupt the donor or acceptor splice site typically lead to a loss of protein function (PMID: 16199547), and loss-of-function variants in FANCD2 are known to be pathogenic (PMID: 17436244).

Literature cited by the submitters: PubMed 16199547; PubMed 17436244.

NM_001018115.3(FANCD2):c.2270-1G>C

Genes: FANCD2 (FA complementation group D2; plus strand), LOC107303338 (3p25 FANCD2 Alu-mediated recombination region; plus strand). Cytogenetic location: 3p25.3.
Variant type: single nucleotide variant.
Coding change: c.2270-1G>C on transcript NM_001018115.3 (MANE Select); the canonical splice acceptor site of the intron before coding-DNA position 2270, G replaced by C.
Molecular consequence: splice acceptor variant.
Genome position (GRCh38, 1-based): chr3:10,065,863, G>C. VCF-style: chr3-10065863-G-C. GRCh37 (hg19) VCF-style: chr3-10107547-G-C.
Other names: c.2270-1G>C (NM_001319984.2, NM_033084.6, NM_001374254.1); c.2159-1G>C (NM_001374253.1).
Identifiers: ClinVar variation 2845506 (VCV002845506.3), dbSNP rs1054458237, ClinGen allele CA70015082.
Genomic context (GRCh38, chr3:10,065,863, plus strand): 5'-GCAACCTCCAGGTTTTATTGGCTTGCACTAAAGGTAGTTGGAAATGTTTGTTCTCTCTCA[G>C]ATTGTCCTATATTCCTAACTGACCTGGAGCCTGGAGAGAAGTTGGAGTCCATGTCTGCTA-3'